The following is an entry in ClinVar:

NM_025074.7(FRAS1):c.7701G>A (p.Lys2567=)

Gene: FRAS1 (Fraser extracellular matrix complex subunit 1; plus strand). Cytogenetic location: 4q21.21.
Variant type: single nucleotide variant.
Coding change: c.7701G>A on transcript NM_025074.7 (MANE Select); coding-DNA position 7701, G replaced by A.
Protein change: p.Lys2567=; no amino-acid change (lysine 2567 retained).
Molecular consequence: synonymous variant.
Genome position (GRCh38, 1-based): chr4:78,475,456, G>A. VCF-style: chr4-78475456-G-A. GRCh37 (hg19) VCF-style: chr4-79396610-G-A.
Other names: p.Lys2567=.
Identifiers: ClinVar variation 349758 (VCV000349758.16), dbSNP rs79849142, ClinGen allele CA2978185.

ClinVar aggregate classification (germline): Benign. Review status: criteria provided, multiple submitters, no conflicts (2 of 4 stars). 4 submissions from 4 submitters: Benign (4). Last evaluated 2026-02-02.

Conditions:
Fraser syndrome 1 (FRASRS1). Also called: CRYPTOPHTHALMOS WITH OTHER MALFORMATIONS. Identifiers: Orphanet 2052, MedGen C4551480, MONDO:0054737, OMIM 219000.

Allele frequency attached by ClinVar (database versions not stated): gnomAD exomes 0.00245 and 0.00633; ExAC 0.00769; gnomAD 0.02490 and 0.02656; ESP Exome Variant Server 0.02592; TOPMed 0.02891; 1000 Genomes Project 0.02975; 1000 Genomes Project 30x 0.03061.
gnomAD v4.1: 7,558 of 1,613,920 alleles (0.47%); highest among the groups gnomAD compares: African/African-American, 8.5%; 326 homozygotes.

Submissions (4):

Labcorp Genetics (formerly Invitae), Labcorp
Classification: Benign. Last evaluated: 2026-02-02. Review status: criteria provided, single submitter. Criteria: Invitae Variant Classification Sherloc (09022015). Collection method: clinical testing. Allele origin: germline.

Mayo Clinic Laboratories, Mayo Clinic
Classification: Benign. Last evaluated: 2022-10-30. Review status: criteria provided, single submitter. Criteria: ACMG Guidelines, 2015. Collection method: clinical testing. Allele origin: germline. Observed: 4 variant alleles.

Illumina Laboratory Services, Illumina
Classification: Benign for Fraser syndrome 1. Last evaluated: 2018-01-13. Review status: criteria provided, single submitter. Criteria: ICSL Variant Classification Criteria 13 December 2019. Collection method: clinical testing. Allele origin: germline.
Comment: This variant was observed in the ICSL laboratory as part of a predisposition screen in an ostensibly healthy population. It had not been previously curated by ICSL or reported in the Human Gene Mutation Database (HGMD: prior to June 1st, 2018), and was therefore a candidate for classification through an automated scoring system. Utilizing variant allele frequency, disease prevalence and penetrance estimates, and inheritance mode, an automated score was calculated to assess if this variant is too frequent to cause the disease. Based on the score and internal cut-off values, a variant classified as benign is not then subjected to further curation. The score for this variant resulted in a classification of benign for this disease.

Breakthrough Genomics
Classification: Benign. Review status: criteria provided, single submitter. Criteria: ACMG Guidelines, 2015. Collection method: not provided. Allele origin: germline. Inheritance: Autosomal recessive inheritance. Affected: yes.